The following is an entry in ClinVar:

ClinVar aggregate classification (germline): Pathogenic (1 of 4 stars; one submission).

Submission:

GeneDx
Classification: Pathogenic. Last evaluated: 2015-06-17. Review status: criteria provided, single submitter. Criteria: GeneDx Variant Classification (06012015). Collection method: clinical testing. Allele origin: germline. Affected: yes.
Comment: The c.5699delC deletion in the NSD1 gene has not been reported previously as a pathogenic variant nor as a benign polymorphism, to our knowledge. The c.5699delC deletion causes a frameshiftstarting with codon Threonine 1900, changes this amino acid to a Methionine residue, and creates apremature Stop codon at position 8 of the new reading frame, denoted p.Thr1900MetfsX8. This variant ispredicted to cause loss of normal protein function either through protein truncation or nonsense-mediatedmRNA decay. The c.5699delC deletion was not observed in approximately 6500 individuals of Europeanand African American ancestry in the NHLBI Exome Sequencing Project, indicating it is not a commonbenign variant in these populations. We interpret c.5699delC as a pathogenic variant.

NM_022455.5(NSD1):c.5699del (p.Thr1900fs)

Gene: NSD1 (nuclear receptor binding SET domain protein 1; plus strand). Cytogenetic location: 5q35.3.
Variant type: Deletion.
Coding change: c.5699del on transcript NM_022455.5 (MANE Select); coding-DNA position 5699, one base deleted (C; older notation c.5699delC).
Protein change: p.Thr1900fs; shifts the reading frame from threonine 1900.
Molecular consequence: frameshift variant.
Genome position (GRCh38, 1-based): chr5:177,280,641, C deleted. VCF-style (leftmost placement, unchanged base first): chr5-177280640-AC-A. GRCh37 (hg19) VCF-style: chr5-176707641-AC-A.
Other names: c.4826delC, p.Thr1609Metfs (NM_001365684.2, NM_001409308.1, NM_001409309.1 and 1 more transcripts); c.5699delC, p.Thr1900Metfs (NM_001409301.1, NM_001409302.1, NM_001409303.1); c.5279delC, p.Thr1760Metfs (NM_001409304.1); c.4946delC, p.Thr1649Metfs (NM_001409305.1); c.4937delC, p.Thr1646Metfs (NM_001409306.1, NM_001409307.1); short protein forms T1900fs, T1631fs.
Identifiers: ClinVar variation 419189 (VCV000419189.2), dbSNP rs1064793705, ClinGen allele CA16618181.
Genomic context (GRCh38, chr5:177,280,640, plus strand): 5'-GGCAGGGTACAGATCTTCACTGCAGACTTATCTGAAATACCCCGTTGCAACTGTAAAGCT[AC>A]TGATGAGAACCCCTGTGGGATAGACTCTGAATGCATCAACCGCATGCTGCTCTATGAGTG-3'